The following is an entry in ClinVar:

NM_001298.3(CNGA3):c.409G>A (p.Ala137Thr)

Gene: CNGA3 (cyclic nucleotide gated channel subunit alpha 3; plus strand). Cytogenetic location: 2q11.2.
Variant type: single nucleotide variant.
Coding change: c.409G>A on transcript NM_001298.3 (MANE Select); coding-DNA position 409, G replaced by A.
Protein change: p.Ala137Thr; replaces alanine 137 with threonine.
Molecular consequence: missense variant. On other transcripts: intron variant (1).
Genome position (GRCh38, 1-based): chr2:98,383,401, G>A. VCF-style: chr2-98383401-G-A. GRCh37 (hg19) VCF-style: chr2-98999864-G-A.
Other names: c.395+3047G>A (NM_001079878.2); short protein forms A137T.
Identifiers: ClinVar variation 1005014 (VCV001005014.8), dbSNP rs868136222, ClinGen allele CA52622224.

ClinVar aggregate classification (germline): Uncertain significance (1 of 4 stars; one submission).

Allele frequency attached by ClinVar (database versions not stated): TOPMed below 0.00001.

Submission:

Labcorp Genetics (formerly Invitae), Labcorp
Classification: Uncertain significance. Last evaluated: 2020-09-09. Review status: criteria provided, single submitter. Criteria: Invitae Variant Classification Sherloc (09022015). Collection method: clinical testing. Allele origin: germline.
Comment: This sequence change replaces alanine with threonine at codon 137 of the CNGA3 protein (p.Ala137Thr). The alanine residue is moderately conserved and there is a small physicochemical difference between alanine and threonine. In summary, the available evidence is currently insufficient to determine the role of this variant in disease. Therefore, it has been classified as a Variant of Uncertain Significance. Advanced modeling of protein sequence and biophysical properties (such as structural, functional, and spatial information, amino acid conservation, physicochemical variation, residue mobility, and thermodynamic stability) performed at Invitae indicates that this missense variant is expected to disrupt CNGA3 protein function. This variant has not been reported in the literature in individuals with CNGA3-related conditions. This variant is not present in population databases (ExAC no frequency).